The following is an entry in ClinVar:

NM_000064.4(C3):c.3970-8C>T

Gene: C3 (complement C3; minus strand). Cytogenetic location: 19p13.3.
Variant type: single nucleotide variant.
Coding change: c.3970-8C>T on transcript NM_000064.4 (MANE Select); 8 bases into the intron before coding-DNA position 3970, C replaced by T.
Molecular consequence: intron variant.
Genome position (GRCh38, 1-based): chr19:6,684,842, G>A on the plus strand (C>T on the coding strand, the complement: C3 is on the minus strand). VCF-style: chr19-6684842-G-A. GRCh37 (hg19) VCF-style: chr19-6684853-G-A.
Other names: p.?.
Identifiers: ClinVar variation 714756 (VCV000714756.22), dbSNP rs11569540, ClinGen allele CA9128560.

ClinVar aggregate classification (germline): Benign/Likely benign. Review status: criteria provided, multiple submitters, no conflicts (2 of 4 stars). 5 submissions from 5 submitters: Benign (2); Likely benign (2). 1 of the submissions does not count toward it. Last evaluated 2026-02-01.

Conditions:
Atypical hemolytic-uremic syndrome. Identifiers: Orphanet 2134, MedGen C2931788, MONDO:0016244.

Allele frequency attached by ClinVar (database versions not stated): gnomAD exomes 0.00044 and 0.00117; ExAC 0.00127; 1000 Genomes Project 30x 0.00359; 1000 Genomes Project 0.00379; gnomAD 0.00431 and 0.00476; TOPMed 0.00510; ESP Exome Variant Server 0.00531.
gnomAD v4.1: 1,326 of 1,614,080 alleles (0.082%); highest among the groups gnomAD compares: African/African-American, 1.6%; 17 homozygotes.

Submissions (6):

Labcorp Genetics (formerly Invitae), Labcorp
Classification: Benign. Last evaluated: 2026-02-01. Review status: criteria provided, single submitter. Criteria: Invitae Variant Classification Sherloc (09022015). Collection method: clinical testing. Allele origin: germline.

Mayo Clinic Laboratories, Mayo Clinic
Classification: Likely benign. Last evaluated: 2025-10-28. Review status: criteria provided, single submitter. Criteria: ACMG Guidelines, 2015. Collection method: clinical testing. Allele origin: germline. Observed: 25 variant alleles.
Comment: BS1, BP4, BP7

CeGaT Center for Human Genetics Tuebingen
Classification: Benign. Last evaluated: 2025-10-01. Review status: criteria provided, single submitter. Criteria: CeGaT Center For Human Genetics Tuebingen Variant Classification Criteria Version 2. Collection method: clinical testing. Allele origin: germline. Affected: yes. Observed: 1 variant allele.
Comment: C3: BP4, BS1, BS2

Genome Diagnostics Laboratory, The Hospital for Sick Children
Classification: Likely benign for Atypical hemolytic-uremic syndrome. Last evaluated: 2020-10-09. Review status: criteria provided, single submitter. Criteria: ACMG Guidelines, 2015. Collection method: clinical testing. Allele origin: germline.

Genetic Services Laboratory, University of Chicago
Classification: Likely benign. Last evaluated: 2022-11-28. Review status: no assertion criteria provided. Collection method: clinical testing. Allele origin: germline. Affected: no. Not counted in ClinVar's aggregate classification.

Dr. Peter K. Rogan Lab, Western University
No classification provided (evidence only). Condition: Sarcoma. Review status: no classification provided. Collection method: in vitro. Allele origin: not applicable. Functional consequence: retained intron. Not counted in ClinVar's aggregate classification.